The following is an entry in ClinVar:

ClinVar aggregate classification (germline): Benign. Review status: criteria provided, multiple submitters, no conflicts (2 of 4 stars). 7 submissions from 7 submitters: Benign (7). Last evaluated 2026-01-28.

Conditions:
Hereditary spastic paraplegia. Also called: Familial spastic paraparesis. Identifiers: Orphanet 685, MedGen C0037773, MONDO:0019064. Disease mechanism: loss of function.
Hereditary spastic paraplegia 7 (SPG7). Also called: SPG7-related neurologic disorder; Spastic paraplegia 7; Hereditary spastic paraplegia Paraplegin type; Autosomal recessive spastic paraplegia type 7; SPASTIC PARAPLEGIA 7, AUTOSOMAL RECESSIVE, WITH OR WITHOUT CEREBELLAR ATAXIA. Identifiers: Orphanet 99013, MedGen C1846564, MONDO:0011803, OMIM 607259.

Allele frequency attached by ClinVar (database versions not stated): gnomAD exomes 0.00155 and 0.00419; gnomAD 0.01647 and 0.01778; ExAC 0.00508; 1000 Genomes Project 0.01398; 1000 Genomes Project 30x 0.01499; TOPMed 0.01847; ESP Exome Variant Server 0.01939.
gnomAD v4.1: 4,861 of 1,613,086 alleles (0.3%); highest among the groups gnomAD compares: African/African-American, 5.7%; 138 homozygotes.

Submissions (7):

Labcorp Genetics (formerly Invitae), Labcorp
Classification: Benign for Hereditary spastic paraplegia 7. Last evaluated: 2026-01-28. Review status: criteria provided, single submitter. Criteria: Invitae Variant Classification Sherloc (09022015). Collection method: clinical testing. Allele origin: germline.

Mayo Clinic Laboratories, Mayo Clinic
Classification: Benign. Last evaluated: 2021-12-21. Review status: criteria provided, single submitter. Criteria: ACMG Guidelines, 2015. Collection method: clinical testing. Allele origin: germline. Observed: 25 variant alleles.

Illumina Laboratory Services, Illumina
Classification: Benign for Hereditary spastic paraplegia 7. Last evaluated: 2018-01-12. Review status: criteria provided, single submitter. Criteria: ICSL Variant Classification Criteria 13 December 2019. Collection method: clinical testing. Allele origin: germline.
Comment: This variant was observed in the ICSL laboratory as part of a predisposition screen in an ostensibly healthy population. It had not been previously curated by ICSL or reported in the Human Gene Mutation Database (HGMD: prior to June 1st, 2018), and was therefore a candidate for classification through an automated scoring system. Utilizing variant allele frequency, disease prevalence and penetrance estimates, and inheritance mode, an automated score was calculated to assess if this variant is too frequent to cause the disease. Based on the score and internal cut-off values, a variant classified as benign is not then subjected to further curation. The score for this variant resulted in a classification of benign for this disease.

Athena Diagnostics
Classification: Benign. Last evaluated: 2018-01-03. Review status: criteria provided, single submitter. Criteria: Athena Diagnostics Criteria. Collection method: clinical testing. Allele origin: germline.

Genome Diagnostics Laboratory, The Hospital for Sick Children
Classification: Benign for Hereditary spastic paraplegia. Last evaluated: 2016-12-12. Review status: criteria provided, single submitter. Criteria: ACMG Guidelines, 2015. Collection method: clinical testing. Allele origin: germline. Affected: yes.

GeneDx
Classification: Benign. Last evaluated: 2013-04-03. Review status: criteria provided, single submitter. Criteria: GeneDx Variant Classification (06012015). Collection method: clinical testing. Allele origin: germline. Affected: yes.
Comment: This variant is considered likely benign or benign based on one or more of the following criteria: it is a conservative change, it occurs at a poorly conserved position in the protein, it is predicted to be benign by multiple in silico algorithms, and/or has population frequency not consistent with disease.

Breakthrough Genomics
Classification: Benign. Review status: criteria provided, single submitter. Criteria: ACMG Guidelines, 2015. Collection method: not provided. Allele origin: germline. Inheritance: Autosomal recessive inheritance. Affected: yes.

Literature cited by the submitters: PubMed 16534102 (cited by Athena Diagnostics).

NM_003119.4(SPG7):c.2037G>A (p.Ala679=)

Gene: SPG7 (SPG7 matrix AAA peptidase subunit, paraplegin; plus strand). Cytogenetic location: 16q24.3.
Variant type: single nucleotide variant.
Coding change: c.2037G>A on transcript NM_003119.4 (MANE Select); coding-DNA position 2037, G replaced by A.
Protein change: p.Ala679=; no amino-acid change (alanine 679 retained).
Molecular consequence: synonymous variant.
Genome position (GRCh38, 1-based): chr16:89,553,894, G>A. VCF-style: chr16-89553894-G-A. GRCh37 (hg19) VCF-style: chr16-89620302-G-A.
Other names: p.A679A:GCG>GCA; p.Ala679=; c.2037G>A, p.Ala679= (NM_001363850.1).
Identifiers: ClinVar variation 139248 (VCV000139248.21), dbSNP rs79756036, ClinGen allele CA293674.